The following is an entry in ClinVar:

ClinVar aggregate classification (germline): Uncertain significance (1 of 4 stars; one submission).

Allele frequency attached by ClinVar (database versions not stated): gnomAD exomes below 0.00001.
gnomAD v4.1: 1 of 1,614,158 alleles (0.000062%); highest among the groups gnomAD compares: Non-Finnish European, 0.000085%; no homozygotes.

Submission:

Labcorp Genetics (formerly Invitae), Labcorp
Classification: Uncertain significance. Last evaluated: 2025-10-26. Review status: criteria provided, single submitter. Criteria: Invitae Variant Classification Sherloc (09022015). Collection method: clinical testing. Allele origin: germline.
Comment: This sequence change replaces asparagine, which is neutral and polar, with serine, which is neutral and polar, at codon 629 of the STAT4 protein (p.Asn629Ser). This variant is not present in population databases (gnomAD no frequency). This variant has not been reported in the literature in individuals affected with STAT4-related conditions. ClinVar contains an entry for this variant (Variation ID: 2766455). Invitae Evidence Modeling of protein sequence and biophysical properties (such as structural, functional, and spatial information, amino acid conservation, physicochemical variation, residue mobility, and thermodynamic stability) indicates that this missense variant is not expected to disrupt STAT4 protein function with a negative predictive value of 80%. In summary, the available evidence is currently insufficient to determine the role of this variant in disease. Therefore, it has been classified as a Variant of Uncertain Significance.

NM_003151.4(STAT4):c.1886A>G (p.Asn629Ser)

Gene: STAT4 (signal transducer and activator of transcription 4; minus strand). Cytogenetic location: 2q32.2.
Variant type: single nucleotide variant.
Coding change: c.1886A>G on transcript NM_003151.4 (MANE Select); coding-DNA position 1886, A replaced by G.
Protein change: p.Asn629Ser; replaces asparagine 629 with serine.
Molecular consequence: missense variant.
Genome position (GRCh38, 1-based): chr2:191,033,116, T>C on the plus strand (A>G on the coding strand, the complement: STAT4 is on the minus strand). VCF-style: chr2-191033116-T-C. GRCh37 (hg19) VCF-style: chr2-191897842-T-C.
Other names: c.1886A>G, p.Asn629Ser (NM_001243835.2); short protein forms N629S.
Identifiers: ClinVar variation 2766455 (VCV002766455.3), dbSNP rs2470644322, ClinGen allele CA349907552.